The following is an entry in ClinVar:

NM_181552.4(CUX1):c.4389C>A (p.Pro1463=)

Gene: CUX1 (cut like homeobox 1; plus strand). Cytogenetic location: 7q22.1.
Variant type: single nucleotide variant.
Coding change: c.4389C>A on transcript NM_181552.4 (MANE Select); coding-DNA position 4389, C replaced by A.
Protein change: p.Pro1463=; no amino-acid change (proline 1463 retained).
Molecular consequence: synonymous variant. On other transcripts: intron variant (5).
Genome position (GRCh38, 1-based): chr7:102,248,913, C>A. VCF-style: chr7-102248913-C-A. GRCh37 (hg19) VCF-style: chr7-101892193-C-A.
Other names: c.4422C>A (NM_001202543.1); c.1139-24453C>A (NM_001202546.3); c.4422C>A, p.Pro1474= (NM_001202543.2); c.1256-24453C>A (NM_001913.5); c.1250-24453C>A (NM_181500.4); c.1118-24453C>A (NM_001202545.3); c.1208-24453C>A (NM_001202544.3).
Identifiers: ClinVar variation 2657877 (VCV002657877.25), dbSNP rs185988286, ClinGen allele CA4411530.
Genomic context (GRCh38, chr7:102,248,913, plus strand): 5'-CAGCAGCAGCAGCAGCGCCCCCCGCAGGCCCAGCTCGCTGCAGAGCCTTTTCGGCCTCCC[C>A]GAGGCCGCGGGCGCCCGGGACTCGCGCGACAACCCCCTGCGCAAGAAGAAGGCCGCGAAC-3'
Protein context (NP_853530.2, residues 1453-1473): PSSLQSLFGL[Pro1463=]EAAGARDSRD

ClinVar aggregate classification (germline): Benign. Review status: criteria provided, single submitter (1 of 4 stars). 2 submissions from 2 submitters: Benign (1). 1 of the submissions does not count toward it. Last evaluated 2022-07-01.

Conditions:
CUX1-related disorder. Also called: CUX1-related condition.

Allele frequency attached by ClinVar (database versions not stated): 1000 Genomes Project 0.00060; 1000 Genomes Project 30x 0.00141.
gnomAD v4.1: 1,571 of 1,451,374 alleles (0.11%); highest among the groups gnomAD compares: Non-Finnish European, 0.11%; 6 homozygotes.

Submissions (2):

CeGaT Center for Human Genetics Tuebingen
Classification: Benign. Last evaluated: 2022-07-01. Review status: criteria provided, single submitter. Criteria: CeGaT Center For Human Genetics Tuebingen Variant Classification Criteria Version 2. Collection method: clinical testing. Allele origin: germline. Affected: yes. Observed: 1 variant allele.
Comment: CUX1: BS1, BS2

PreventionGenetics, part of Exact Sciences
Classification: Benign for CUX1-related condition. Last evaluated: 2020-01-03. Review status: no assertion criteria provided. Collection method: clinical testing. Allele origin: germline. Not counted in ClinVar's aggregate classification.
Comment: This variant is classified as benign based on ACMG/AMP sequence variant interpretation guidelines (Richards et al. 2015 PMID: 25741868, with internal and published modifications).